The following is an entry in ClinVar:

NM_000263.4(NAGLU):c.1163_1166dup (p.Val390fs)

Gene: NAGLU (N-acetyl-alpha-glucosaminidase; plus strand). Cytogenetic location: 17q21.2.
Variant type: Microsatellite.
Coding change: c.1163_1166dup on transcript NM_000263.4 (MANE Select); coding-DNA positions 1163 to 1166, 4 bases duplicated (AGCC; older notation c.1163_1166dupAGCC).
Protein change: p.Val390fs; shifts the reading frame from valine 390.
Molecular consequence: frameshift variant.
Genome position (GRCh38, 1-based): chr17:42,543,169-42,543,172, AGCC duplicated; duplicating any 4 consecutive bases within chr17:42,543,165-42,543,172 gives the same sequence; the c. name uses the placement nearest the transcript's 3' end. VCF-style (leftmost placement, unchanged base first): chr17-42543164-G-GAGCC. GRCh37 (hg19) VCF-style: chr17-40695182-G-GAGCC.
Other names: short protein forms V390fs.
Identifiers: ClinVar variation 850180 (VCV000850180.9), dbSNP rs2092925958, ClinGen allele CA916083539.

ClinVar aggregate classification (germline): Pathogenic (1 of 4 stars; one submission).

Conditions:
Mucopolysaccharidosis, MPS-III-B (MPS3B). Also called: N-ACETYL-ALPHA-D-GLUCOSAMINIDASE DEFICIENCY; NAGLU DEFICIENCY; SANFILIPPO SYNDROME B; Mucopolysaccharidosis type IIIB (Sanfilippo B); MPS IIIB (Sanfilippo Syndrome Type B); MUCOPOLYSACCHARIDOSIS, TYPE IIIB. Identifiers: Orphanet 79270, MedGen C0086648, MONDO:0009656, OMIM 252920.
Charcot-Marie-Tooth disease axonal type 2V. Also called: CHARCOT-MARIE-TOOTH NEUROPATHY, TYPE 2V; CHARCOT-MARIE-TOOTH DISEASE, AXONAL, AUTOSOMAL DOMINANT, TYPE 2V. Identifiers: Orphanet 447964, MedGen C5569050, MONDO:0014665, OMIM 616491.

Submission:

Labcorp Genetics (formerly Invitae), Labcorp
Classification: Pathogenic for Charcot-Marie-Tooth disease axonal type 2V; Mucopolysaccharidosis, MPS-III-B. Last evaluated: 2020-01-22. Review status: criteria provided, single submitter. Criteria: Invitae Variant Classification Sherloc (09022015). Collection method: clinical testing. Allele origin: germline.
Comment: For these reasons, this variant has been classified as Pathogenic. This variant disrupts the C-terminus of the NAGLU protein. Other variant(s) that disrupt this region (p.Trp404*) have been determined to be pathogenic (PMID: 9950362, 10094189). This suggests that variants that disrupt this region of the protein are likely to be causative of disease. This variant has not been reported in the literature in individuals with NAGLU-related conditions. This variant is not present in population databases (ExAC no frequency). This sequence change results in a premature translational stop signal in the NAGLU gene (p.Val390Alafs*72). While this is not anticipated to result in nonsense mediated decay, it is expected to disrupt the last 354 amino acids of the NAGLU protein.

Literature cited by the submitters: PubMed 9950362; PubMed 10094189.